The following is an entry in ClinVar:

ClinVar aggregate classification (germline): Uncertain significance (1 of 4 stars; one submission).

Submission:

Labcorp Genetics (formerly Invitae), Labcorp
Classification: Uncertain significance. Last evaluated: 2023-10-03. Review status: criteria provided, single submitter. Criteria: Invitae Variant Classification Sherloc (09022015). Collection method: clinical testing. Allele origin: germline.
Comment: This sequence change replaces isoleucine, which is neutral and non-polar, with threonine, which is neutral and polar, at codon 310 of the CNGA3 protein (p.Ile310Thr). This variant is not present in population databases (gnomAD no frequency). This variant has not been reported in the literature in individuals affected with CNGA3-related conditions. ClinVar contains an entry for this variant (Variation ID: 2047792). Advanced modeling of protein sequence and biophysical properties (such as structural, functional, and spatial information, amino acid conservation, physicochemical variation, residue mobility, and thermodynamic stability) performed at Invitae indicates that this missense variant is expected to disrupt CNGA3 protein function. In summary, the available evidence is currently insufficient to determine the role of this variant in disease. Therefore, it has been classified as a Variant of Uncertain Significance.

NM_001298.3(CNGA3):c.929T>C (p.Ile310Thr)

Gene: CNGA3 (cyclic nucleotide gated channel subunit alpha 3; plus strand). Cytogenetic location: 2q11.2.
Variant type: single nucleotide variant.
Coding change: c.929T>C on transcript NM_001298.3 (MANE Select); coding-DNA position 929, T replaced by C.
Protein change: p.Ile310Thr; replaces isoleucine 310 with threonine.
Molecular consequence: missense variant.
Genome position (GRCh38, 1-based): chr2:98,396,099, T>C. VCF-style: chr2-98396099-T-C. GRCh37 (hg19) VCF-style: chr2-99012562-T-C.
Other names: c.875T>C, p.Ile292Thr (NM_001079878.2); short protein forms I292T, I310T.
Identifiers: ClinVar variation 2047792 (VCV002047792.4), dbSNP rs2467028512, ClinGen allele CA347832450.